The following is an entry in ClinVar:

ClinVar aggregate classification (germline): Uncertain significance (1 of 4 stars; one submission).

Conditions:
GREB1L-related disorder. Also called: GREB1L-related condition.

gnomAD v4.1: 22 of 1,551,510 alleles (0.0014%); highest among the groups gnomAD compares: Non-Finnish European, 0.0019%; no homozygotes.

Submission:

PreventionGenetics, part of Exact Sciences
Classification: Uncertain significance for GREB1L-related condition. Last evaluated: 2026-05-06. Review status: criteria provided, single submitter. Criteria: ACMG Guidelines, 2015. Collection method: clinical testing. Allele origin: germline.
Comment: The GREB1L c.5108A>G variant is predicted to result in the amino acid substitution p.Asn1703Ser. To our knowledge, this variant has not been reported in the literature. This variant is reported in 0.0017% of alleles in individuals of European (Non-Finnish) descent in gnomAD. At this time, the clinical significance of this variant is uncertain due to the absence of conclusive functional and genetic evidence.

NM_001142966.3(GREB1L):c.5108A>G (p.Asn1703Ser)

Gene: GREB1L (GREB1 like retinoic acid receptor coactivator; plus strand). Cytogenetic location: 18q11.2.
Variant type: single nucleotide variant.
Coding change: c.5108A>G on transcript NM_001142966.3 (MANE Select); coding-DNA position 5108, A replaced by G.
Protein change: p.Asn1703Ser; replaces asparagine 1703 with serine.
Molecular consequence: missense variant.
Genome position (GRCh38, 1-based): chr18:21,515,623, A>G. VCF-style: chr18-21515623-A-G. GRCh37 (hg19) VCF-style: chr18-19095584-A-G.
Other names: c.5237A>G, p.Asn1746Ser (NM_001410867.1); c.4781A>G, p.Asn1594Ser (NM_001410868.1); short protein forms N1746S, N1594S, N1703S.
Identifiers: ClinVar variation 4983244 (VCV004983244.1).